The following is an entry in ClinVar:

ClinVar aggregate classification (germline): Uncertain significance. Review status: criteria provided, multiple submitters, no conflicts (2 of 4 stars). 5 submissions from 4 submitters: Uncertain significance (5). Last evaluated 2023-06-28.

Conditions:
Inborn genetic diseases. Identifiers: MedGen C0950123, MeSH D030342.
Autosomal recessive limb-girdle muscular dystrophy type 2F (LGMDR6). Also called: MUSCULAR DYSTROPHY, LIMB-GIRDLE, AUTOSOMAL RECESSIVE 6; Muscular dystrophy limb-girdle with delta-sarcoglyan deficiency. Identifiers: Orphanet 219, MedGen C1832525, MONDO:0011028, OMIM 601287. Disease mechanism: Affects gamma-sarcoglycan and also disrupts the integrity of the entire sarcoglycan complex..
Dilated cardiomyopathy 1L (CMD1L). Identifiers: Orphanet 154, MedGen C1847667, MONDO:0011702, OMIM 606685.

Allele frequency attached by ClinVar (database versions not stated): gnomAD exomes below 0.00001 and 0.00001; gnomAD 0.00001; TOPMed 0.00002.
gnomAD v4.1: 5 of 1,574,040 alleles (0.00032%); highest among the groups gnomAD compares: African/African-American, 0.004%; no homozygotes.

Submissions (5):

Ambry Genetics
Classification: Uncertain significance for Inborn genetic diseases. Last evaluated: 2023-06-28. Review status: criteria provided, single submitter. Criteria: Ambry Variant Classification Scheme 2023. Collection method: clinical testing. Allele origin: germline.
Comment: The p.Q118K variant (also known as c.352C>A), located in coding exon 4 of the SGCD gene, results from a C to A substitution at nucleotide position 352. The glutamine at codon 118 is replaced by lysine, an amino acid with similar properties. This amino acid position is conserved. In addition, this alteration is predicted to be tolerated by in silico analysis. Since supporting evidence is limited at this time, the clinical significance of this alteration remains unclear.

Genome-Nilou Lab
Classification: Uncertain significance for Autosomal recessive limb-girdle muscular dystrophy type 2F. Last evaluated: 2023-02-08. Review status: criteria provided, single submitter. Criteria: ACMG Guidelines, 2015. Collection method: clinical testing. Allele origin: germline.

Genome-Nilou Lab
Classification: Uncertain significance for Dilated cardiomyopathy 1L. Last evaluated: 2023-02-08. Review status: criteria provided, single submitter. Criteria: ACMG Guidelines, 2015. Collection method: clinical testing. Allele origin: germline.

Labcorp Genetics (formerly Invitae), Labcorp
Classification: Uncertain significance for Autosomal recessive limb-girdle muscular dystrophy type 2F. Last evaluated: 2022-07-26. Review status: criteria provided, single submitter. Criteria: Invitae Variant Classification Sherloc (09022015). Collection method: clinical testing. Allele origin: germline.
Comment: This sequence change replaces glutamine, which is neutral and polar, with lysine, which is basic and polar, at codon 118 of the SGCD protein (p.Gln118Lys). The frequency data for this variant in the population databases is considered unreliable, as metrics indicate poor data quality at this position in the gnomAD database. This variant has not been reported in the literature in individuals affected with SGCD-related conditions. ClinVar contains an entry for this variant (Variation ID: 594269). Algorithms developed to predict the effect of missense changes on protein structure and function (SIFT, PolyPhen-2, Align-GVGD) all suggest that this variant is likely to be tolerated. In summary, the available evidence is currently insufficient to determine the role of this variant in disease. Therefore, it has been classified as a Variant of Uncertain Significance.

Eurofins Ntd Llc (ga)
Classification: Uncertain significance. Last evaluated: 2017-10-03. Review status: criteria provided, single submitter. Criteria: EGL Classification Definitions 2015. Collection method: clinical testing. Allele origin: germline. Observed: 1 variant allele, 1 heterozygote.

NM_000337.6(SGCD):c.352C>A (p.Gln118Lys)

Gene: SGCD (sarcoglycan delta; plus strand). Cytogenetic location: 5q33.3.
Variant type: single nucleotide variant.
Coding change: c.352C>A on transcript NM_000337.6 (MANE Select); coding-DNA position 352, C replaced by A.
Protein change: p.Gln118Lys; replaces glutamine 118 with lysine.
Molecular consequence: missense variant.
Genome position (GRCh38, 1-based): chr5:156,589,288, C>A. VCF-style: chr5-156589288-C-A. GRCh37 (hg19) VCF-style: chr5-156016298-C-A.
Other names: c.352C>A (NM_000337.5); c.349C>A, p.Gln117Lys (NM_001128209.2); c.352C>A, p.Gln118Lys (NM_172244.3); short protein forms Q118K, Q117K.
Identifiers: ClinVar variation 594269 (VCV000594269.10), dbSNP rs748107425, ClinGen allele CA130623048.